The following is an entry in ClinVar:

NM_005422.4(TECTA):c.1364A>G (p.Asn455Ser)

Genes: TBCEL-TECTA (TBCEL-TECTA readthrough; plus strand), TECTA (tectorin alpha; plus strand). Cytogenetic location: 11q23.3.
Variant type: single nucleotide variant.
Coding change: c.1364A>G on transcript NM_005422.4 (MANE Select); coding-DNA position 1364, A replaced by G.
Protein change: p.Asn455Ser; replaces asparagine 455 with serine.
Molecular consequence: missense variant.
Genome position (GRCh38, 1-based): chr11:121,125,462, A>G. VCF-style: chr11-121125462-A-G. GRCh37 (hg19) VCF-style: chr11-120996171-A-G.
Other names: c.2321A>G, p.Asn774Ser (NM_001378761.1); short protein forms N455S, N774S.
Identifiers: ClinVar variation 3377214 (VCV003377214.3).

ClinVar aggregate classification (germline): Uncertain significance (1 of 4 stars; one submission).

Conditions:
Autosomal dominant nonsyndromic hearing loss 12. Also called: DEAFNESS, AUTOSOMAL DOMINANT 8. Identifiers: Orphanet 90635, MedGen C1832187, MONDO:0011102, OMIM 601543.

gnomAD v4.1: 2 of 1,613,722 alleles (0.00012%); highest among the groups gnomAD compares: Non-Finnish European, 0.000085%; no homozygotes.

Submission:

Victorian Clinical Genetics Services, Murdoch Childrens Research Institute
Classification: Uncertain significance for Autosomal dominant nonsyndromic hearing loss 12. Last evaluated: 2024-10-09. Review status: criteria provided, single submitter. Criteria: ACMG Guidelines, 2015. Collection method: clinical testing. Allele origin: germline. Affected: yes.
Comment: This variant is classified as VUS-3B. Evidence in support of pathogenic classification: Variant is present in gnomAD <0.01 for a condition (V4) (2 heterozygotes, 0 homozygotes). Additional information: Variant is predicted to result in a missense amino acid change from asparagine to serine; This variant is heterozygous; This gene is associated with both recessive and dominant disease. Generally, biallelic loss of functional variants cause recessive deafness, while missense variants cause dominant deafness (PMID: 9949200, 20947814, 28946916); This variant has no previous evidence of pathogenicity; No published segregation evidence has been identified for this variant; No published functional evidence has been identified for this variant; No comparable missense variants have previous evidence for pathogenicity; Variant is located in the annotated von Willebrand factor type D domain (DECIPHER); Missense variant with conflicting in silico predictions and high conservation; Loss of function is a known mechanism of disease in this gene and is associated with autosomal recessive deafness 21 (MIM#603629). The mechanism for autosomal dominant deafness, 8/12 (MIM#601543) is unknown, but dominant negative is a suggested mechanism (OMIM, PMID: 31554319).

Literature cited by the submitters: PubMed 28946916; PubMed 20947814; PubMed 31554319; PubMed 9949200.